The following is an entry in ClinVar:

ClinVar aggregate classification (germline): Conflicting classifications of pathogenicity. Review status: criteria provided, conflicting classifications (1 of 4 stars). 2 submissions from 2 submitters: Uncertain significance (1); Likely benign (1). Last evaluated 2025-06-16.

Conditions:
Inborn genetic diseases. Identifiers: MedGen C0950123, MeSH D030342.

Allele frequency attached by ClinVar (database versions not stated): ExAC 0.00001; gnomAD exomes 0.00001; gnomAD 0.00003; TOPMed 0.00003.
gnomAD v4.1: 21 of 1,613,986 alleles (0.0013%); highest among the groups gnomAD compares: Middle Eastern, 0.016%; no homozygotes.

Submissions (2):

Ambry Genetics
Classification: Likely benign for Inborn genetic diseases. Last evaluated: 2025-06-16. Review status: criteria provided, single submitter. Criteria: Ambry Variant Classification Scheme 2023. Collection method: clinical testing. Allele origin: germline.

Labcorp Genetics (formerly Invitae), Labcorp
Classification: Uncertain significance. Last evaluated: 2022-09-13. Review status: criteria provided, single submitter. Criteria: Invitae Variant Classification Sherloc (09022015). Collection method: clinical testing. Allele origin: germline.
Comment: In summary, the available evidence is currently insufficient to determine the role of this variant in disease. Therefore, it has been classified as a Variant of Uncertain Significance. Advanced modeling of protein sequence and biophysical properties (such as structural, functional, and spatial information, amino acid conservation, physicochemical variation, residue mobility, and thermodynamic stability) performed at Invitae indicates that this missense variant is not expected to disrupt FN1 protein function. This variant has not been reported in the literature in individuals affected with FN1-related conditions. This variant is present in population databases (rs761479691, gnomAD 0.01%). This sequence change replaces valine, which is neutral and non-polar, with isoleucine, which is neutral and non-polar, at codon 558 of the FN1 protein (p.Val558Ile).

NM_212482.4(FN1):c.1672G>A (p.Val558Ile)

Genes: FN1 (fibronectin 1; minus strand), LOC122861289 (Sharpr-MPRA regulatory region 10603; plus strand). Cytogenetic location: 2q35.
Variant type: single nucleotide variant.
Coding change: c.1672G>A on transcript NM_212482.4 (MANE Select); coding-DNA position 1672, G replaced by A.
Protein change: p.Val558Ile; replaces valine 558 with isoleucine.
Molecular consequence: missense variant.
Genome position (GRCh38, 1-based): chr2:215,420,676, C>T on the plus strand (G>A on the coding strand, the complement: FN1 is on the minus strand). VCF-style: chr2-215420676-C-T. GRCh37 (hg19) VCF-style: chr2-216285399-C-T.
Other names: c.1672G>A, p.Val558Ile (NM_001306129.2, NM_001306130.2, NM_001306131.2 and 14 more transcripts); c.1672G>A (NM_212482.1); short protein forms V558I.
Identifiers: ClinVar variation 1932042 (VCV001932042.6), dbSNP rs761479691, ClinGen allele CA2095218.